The following is an entry in ClinVar:

NM_001313994.1(ADAM32):c.41_48dup (p.Trp17fs)

Gene: ADAM32 (ADAM metallopeptidase domain 32; plus strand). Cytogenetic location: 8p11.22.
Variant type: Microsatellite.
Coding change: c.41_48dup on transcript NM_001313994.1; coding-DNA positions 41 to 48, 8 bases duplicated (CGCGTCCC; older notation c.41_48dupCGCGTCCC).
Protein change: p.Trp17fs; shifts the reading frame from tryptophan 17.
Molecular consequence: frameshift variant.
Genome position (GRCh38, 1-based): chr8:39,107,715-39,107,722, CGCGTCCC duplicated; duplicating any 8 consecutive bases within chr8:39,107,707-39,107,722 gives the same sequence; the c. name uses the placement nearest the transcript's 3' end. VCF-style (leftmost placement, unchanged base first): chr8-39107706-G-GCGCGTCCC. GRCh37 (hg19) VCF-style: chr8-38965225-G-GCGCGTCCC.
Other names: short protein forms W17fs.
Identifiers: ClinVar variation 3067238 (VCV003067238.20), dbSNP rs200029015, ClinGen allele CA4722015.

ClinVar aggregate classification (germline): Likely benign (1 of 4 stars; one submission).

Submission:

CeGaT Center for Human Genetics Tuebingen
Classification: Likely benign. Last evaluated: 2024-03-01. Review status: criteria provided, single submitter. Criteria: CeGaT Center For Human Genetics Tuebingen Variant Classification Criteria Version 2. Collection method: clinical testing. Allele origin: germline. Affected: yes. Observed: 1 variant allele.
Comment: ADAM32: BS2